The following is an entry in ClinVar:

NM_013382.7(POMT2):c.2013C>T (p.Leu671=)

Gene: POMT2 (protein O-mannosyltransferase 2; minus strand). Cytogenetic location: 14q24.3.
Variant type: single nucleotide variant.
Coding change: c.2013C>T on transcript NM_013382.7 (MANE Select); coding-DNA position 2013, C replaced by T.
Protein change: p.Leu671=; no amino-acid change (leucine 671 retained).
Molecular consequence: synonymous variant.
Genome position (GRCh38, 1-based): chr14:77,278,748, G>A on the plus strand (C>T on the coding strand, the complement: POMT2 is on the minus strand). VCF-style: chr14-77278748-G-A. GRCh37 (hg19) VCF-style: chr14-77745091-G-A.
Identifiers: ClinVar variation 512540 (VCV000512540.10), dbSNP rs751776398, ClinGen allele CA7285572.

ClinVar aggregate classification (germline): Likely benign. Review status: criteria provided, multiple submitters, no conflicts (2 of 4 stars). 2 submissions from 2 submitters: Likely benign (2). Last evaluated 2024-06-29.

Conditions:
Muscular dystrophy-dystroglycanopathy (congenital with brain and eye anomalies), type A2. Also called: MUSCULAR DYSTROPHY-DYSTROGLYCANOPATHY (CONGENITAL WITH BRAIN AND EYE ANOMALIES), TYPE A, 2; WALKER-WARBURG SYNDROME OR MUSCLE-EYE-BRAIN DISEASE, POMT2-RELATED. Identifiers: Orphanet 588, Orphanet 899, MedGen C3150411, MONDO:0013154, OMIM 613150.
Muscular dystrophy-dystroglycanopathy (congenital with impaired intellectual development), type B, 2. Also called: Muscular dystrophy-dystroglycanopathy (congenital with intellectual disability), type B2; MUSCULAR DYSTROPHY, CONGENITAL, POMT2-RELATED. Identifiers: MedGen C3150416, MONDO:0013160, OMIM 613156.
Autosomal recessive limb-girdle muscular dystrophy type 2N. Also called: Muscular dystrophy-dystroglycanopathy (limb-girdle), type C, 2; MUSCULAR DYSTROPHY-DYSTROGLYCANOPATHY, LIMB-GIRDLE, POMT2-RELATED. Identifiers: Orphanet 206559, MedGen C3150418, MONDO:0013162, OMIM 613158.

Allele frequency attached by ClinVar (database versions not stated): gnomAD 0.00004; gnomAD exomes 0.00001; ExAC 0.00001; TOPMed 0.00006.
gnomAD v4.1: 18 of 1,613,846 alleles (0.0011%); highest among the groups gnomAD compares: African/African-American, 0.019%; no homozygotes.

Submissions (2):

Labcorp Genetics (formerly Invitae), Labcorp
Classification: Likely benign for Muscular dystrophy-dystroglycanopathy (congenital with impaired intellectual development), type B, 2; Muscular dystrophy-dystroglycanopathy (congenital with brain and eye anomalies), type A2; Autosomal recessive limb-girdle muscular dystrophy type 2N. Last evaluated: 2024-06-29. Review status: criteria provided, single submitter. Criteria: Invitae Variant Classification Sherloc (09022015). Collection method: clinical testing. Allele origin: germline.

GeneDx
Classification: Likely benign. Last evaluated: 2017-10-12. Review status: criteria provided, single submitter. Criteria: GeneDx Variant Classification (06012015). Collection method: clinical testing. Allele origin: germline. Affected: yes.
Comment: This variant is considered likely benign or benign based on one or more of the following criteria: it is a conservative change, it occurs at a poorly conserved position in the protein, it is predicted to be benign by multiple in silico algorithms, and/or has population frequency not consistent with disease.